The following is an entry in ClinVar:

ClinVar aggregate classification (germline): Uncertain significance (1 of 4 stars; one submission).

Conditions:
Peroxisome biogenesis disorder 2B (PBD2B). Identifiers: Orphanet 44, MedGen C3550234, MONDO:0008736, OMIM 202370.

Allele frequency attached by ClinVar (database versions not stated): gnomAD 0.00001; ESP Exome Variant Server 0.00008.
gnomAD v4.1: 35 of 1,614,058 alleles (0.0022%); highest among the groups gnomAD compares: Admixed American, 0.01%; no homozygotes.

Submission:

Labcorp Genetics (formerly Invitae), Labcorp
Classification: Uncertain significance for Peroxisome biogenesis disorder 2B. Last evaluated: 2022-09-27. Review status: criteria provided, single submitter. Criteria: Invitae Variant Classification Sherloc (09022015). Collection method: clinical testing. Allele origin: germline.
Comment: This sequence change replaces asparagine, which is neutral and polar, with aspartic acid, which is acidic and polar, at codon 98 of the PEX5 protein (p.Asn98Asp). This variant is present in population databases (rs374327439, gnomAD 0.01%). This variant has not been reported in the literature in individuals affected with PEX5-related conditions. ClinVar contains an entry for this variant (Variation ID: 1357003). Algorithms developed to predict the effect of missense changes on protein structure and function (SIFT, PolyPhen-2, Align-GVGD) all suggest that this variant is likely to be tolerated. In summary, the available evidence is currently insufficient to determine the role of this variant in disease. Therefore, it has been classified as a Variant of Uncertain Significance.

NM_001351132.2(PEX5):c.292A>G (p.Asn98Asp)

Gene: PEX5 (peroxisomal biogenesis factor 5; plus strand). Cytogenetic location: 12p13.31.
Variant type: single nucleotide variant.
Coding change: c.292A>G on transcript NM_001351132.2 (MANE Select); coding-DNA position 292, A replaced by G.
Protein change: p.Asn98Asp; replaces asparagine 98 with aspartic acid.
Molecular consequence: missense variant.
Genome position (GRCh38, 1-based): chr12:7,191,334, A>G. VCF-style: chr12-7191334-A-G. GRCh37 (hg19) VCF-style: chr12-7343930-A-G.
Other names: c.292A>G, p.Asn98Asp (NM_000319.5, NM_001131024.2, NM_001131025.2 and 19 more transcripts); c.337A>G, p.Asn113Asp (NM_001131023.2, NM_001351135.3, NM_001351138.2); short protein forms N98D, N113D.
Identifiers: ClinVar variation 1357003 (VCV001357003.3), dbSNP rs374327439, ClinGen allele CA6426079.